The following is an entry in ClinVar:

NM_182914.3(SYNE2):c.19248C>G (p.Pro6416=)

Gene: SYNE2 (spectrin repeat containing nuclear envelope protein 2; plus strand). Cytogenetic location: 14q23.2.
Variant type: single nucleotide variant.
Coding change: c.19248C>G on transcript NM_182914.3 (MANE Select); coding-DNA position 19248, C replaced by G.
Protein change: p.Pro6416=; no amino-acid change (proline 6416 retained).
Molecular consequence: synonymous variant.
Genome position (GRCh38, 1-based): chr14:64,214,385, C>G. VCF-style: chr14-64214385-C-G. GRCh37 (hg19) VCF-style: chr14-64681103-C-G.
Other names: c.19248C>G, p.Pro6416= (NM_015180.6); c.150C>G, p.Pro50= (NM_182913.4).
Identifiers: ClinVar variation 283702 (VCV000283702.29), dbSNP rs150363140, ClinGen allele CA7224358.
Genomic context (GRCh38, chr14:64,214,385, plus strand): 5'-AGTGGCCCCAGGGCACGAGCGGTCTGGCTGCGAGACCCCTGTCAGCGTGGACTCCATCCC[C>G]CTGGAGTGGGACCACACAGGCGACGTGGGGGGCTCCTCCTCTCACGAAGAGGACGAGGAG-3'
Protein context (NP_878918.2, residues 6406-6426): CETPVSVDSI[Pro6416=]LEWDHTGDVG

ClinVar aggregate classification (germline): Benign/Likely benign. Review status: criteria provided, multiple submitters, no conflicts (2 of 4 stars). 8 submissions from 8 submitters: Benign (1); Likely benign (6). 1 of the submissions does not count toward it. Last evaluated 2026-09-01.

Conditions:
Emery-Dreifuss muscular dystrophy 5, autosomal dominant (EDMD5). Also called: EMERY-DREIFUSS MUSCULAR DYSTROPHY 5. Identifiers: Orphanet 261, MedGen C2751805, MONDO:0013072, OMIM 612999.

Allele frequency attached by ClinVar (database versions not stated): ExAC 0.00113; gnomAD 0.00116 and 0.00117; gnomAD exomes 0.00117; TOPMed 0.00124; 1000 Genomes Project 30x 0.00125; 1000 Genomes Project 0.00140; ESP Exome Variant Server 0.00161.
gnomAD v4.1: 1,891 of 1,614,114 alleles (0.12%); highest among the groups gnomAD compares: Non-Finnish European, 0.13%; 3 homozygotes.

Submissions (8):

CeGaT Center for Human Genetics Tuebingen
Classification: Likely benign. Last evaluated: 2026-09-01. Review status: criteria provided, single submitter. Criteria: CeGaT Center For Human Genetics Tuebingen Variant Classification Criteria Version 2. Collection method: clinical testing. Allele origin: germline. Affected: yes. Observed: 2 variant alleles.
Comment: SYNE2: BP4, BP7

Labcorp Genetics (formerly Invitae), Labcorp
Classification: Likely benign for Emery-Dreifuss muscular dystrophy 5, autosomal dominant. Last evaluated: 2025-12-24. Review status: criteria provided, single submitter. Criteria: Invitae Variant Classification Sherloc (09022015). Collection method: clinical testing. Allele origin: germline.

Blueprint Genetics
Classification: Likely benign. Last evaluated: 2024-11-14. Review status: criteria provided, single submitter. Criteria: ACMG Guidelines, 2015. Collection method: clinical testing. Allele origin: germline.

Illumina Laboratory Services, Illumina
Classification: Benign for Emery-Dreifuss muscular dystrophy 5, autosomal dominant. Last evaluated: 2018-01-12. Review status: criteria provided, single submitter. Criteria: ICSL Variant Classification Criteria 13 December 2019. Collection method: clinical testing. Allele origin: germline.
Comment: This variant was observed in the ICSL laboratory as part of a predisposition screen in an ostensibly healthy population. It had not been previously curated by ICSL or reported in the Human Gene Mutation Database (HGMD: prior to June 1st, 2018), and was therefore a candidate for classification through an automated scoring system. Utilizing variant allele frequency, disease prevalence and penetrance estimates, and inheritance mode, an automated score was calculated to assess if this variant is too frequent to cause the disease. Based on the score and internal cut-off values, a variant classified as benign is not then subjected to further curation. The score for this variant resulted in a classification of benign for this disease.

Genome Diagnostics Laboratory, University Medical Center Utrecht
Classification: Likely benign for Emery-Dreifuss muscular dystrophy 5, autosomal dominant. Last evaluated: 2017-02-22. Review status: criteria provided, single submitter. Criteria: ACGS Guidelines, 2013. Collection method: clinical testing. Allele origin: germline. Affected: yes. Study: VKGL Data-share Consensus.

Eurofins Ntd Llc (ga)
Classification: Likely benign. Last evaluated: 2015-10-06. Review status: criteria provided, single submitter. Criteria: EGL Classification Definitions 2015. Collection method: clinical testing. Allele origin: germline. Observed: 1 variant allele, 1 heterozygote.

Breakthrough Genomics
Classification: Likely benign. Review status: criteria provided, single submitter. Criteria: ACMG Guidelines, 2015. Collection method: not provided. Allele origin: germline. Inheritance: Autosomal dominant inheritance. Affected: yes.

Diagnostic Laboratory, Department of Genetics, University Medical Center Groningen
Classification: Likely benign for Emery-Dreifuss muscular dystrophy 5, autosomal dominant. Review status: no assertion criteria provided. Collection method: clinical testing. Allele origin: germline. Affected: yes. Study: VKGL Data-share Consensus. Not counted in ClinVar's aggregate classification.